The following is an entry in ClinVar:

NM_001943.5(DSG2):c.1204G>A (p.Asp402Asn)

Gene: DSG2 (desmoglein 2; plus strand). Cytogenetic location: 18q12.1.
Variant type: single nucleotide variant.
Coding change: c.1204G>A on transcript NM_001943.5 (MANE Select); coding-DNA position 1204, G replaced by A.
Protein change: p.Asp402Asn; replaces aspartic acid 402 with asparagine.
Molecular consequence: missense variant.
Genome position (GRCh38, 1-based): chr18:31,531,176, G>A. VCF-style: chr18-31531176-G-A. GRCh37 (hg19) VCF-style: chr18-29111139-G-A.
Other names: short protein forms D402N.
Identifiers: ClinVar variation 44279 (VCV000044279.20), dbSNP rs397516701, ClinGen allele CA021315.

ClinVar aggregate classification (germline): Conflicting classifications of pathogenicity. Review status: criteria provided, conflicting classifications (1 of 4 stars). 6 submissions from 6 submitters: Uncertain significance (5); Benign (1). Last evaluated 2024-10-15.

Conditions:
Cardiovascular phenotype. Identifiers: MedGen CN230736.
Cardiomyopathy (CMYO). Also called: Cardiomyopathies. Identifiers: Orphanet 167848, MedGen C0878544, MONDO:0004994, HP:0001638. Inheritance: Various modes of inheritance.
Arrhythmogenic right ventricular dysplasia 10. Also called: Arrhythmogenic Right Ventricular Dysplasia/Cardiomyopathy10; ARRHYTHMOGENIC RIGHT VENTRICULAR DYSPLASIA, FAMILIAL, 10; Arrhythmogenic right ventricular dysplasia/cardiomyopathy, type 10. Identifiers: MedGen C1857777, MONDO:0012434, OMIM 610193.

Allele frequency attached by ClinVar (database versions not stated): gnomAD exomes 0.00001 and 0.00004; TOPMed 0.00001; ExAC 0.00003.
gnomAD v4.1: 20 of 1,614,148 alleles (0.0012%); highest among the groups gnomAD compares: South Asian, 0.021%; no homozygotes.

Submissions (6):

Labcorp Genetics (formerly Invitae), Labcorp
Classification: Uncertain significance for Arrhythmogenic right ventricular dysplasia 10. Last evaluated: 2024-10-15. Review status: criteria provided, single submitter. Criteria: Invitae Variant Classification Sherloc (09022015). Collection method: clinical testing. Allele origin: germline.
Comment: This sequence change replaces aspartic acid, which is acidic and polar, with asparagine, which is neutral and polar, at codon 402 of the DSG2 protein (p.Asp402Asn). This variant is present in population databases (rs397516701, gnomAD 0.03%). This variant has not been reported in the literature in individuals affected with DSG2-related conditions. ClinVar contains an entry for this variant (Variation ID: 44279). Invitae Evidence Modeling of protein sequence and biophysical properties (such as structural, functional, and spatial information, amino acid conservation, physicochemical variation, residue mobility, and thermodynamic stability) indicates that this missense variant is not expected to disrupt DSG2 protein function with a negative predictive value of 95%. In summary, the available evidence is currently insufficient to determine the role of this variant in disease. Therefore, it has been classified as a Variant of Uncertain Significance.

Ambry Genetics
Classification: Benign for Cardiovascular phenotype. Last evaluated: 2024-03-18. Review status: criteria provided, single submitter. Criteria: Ambry Variant Classification Scheme 2023. Collection method: clinical testing. Allele origin: germline.

Color Diagnostics, LLC DBA Color Health
Classification: Uncertain significance for Cardiomyopathy. Last evaluated: 2024-03-06. Review status: criteria provided, single submitter. Criteria: ACMG Guidelines, 2015. Collection method: clinical testing. Allele origin: germline.
Comment: This missense variant replaces aspartic acid with asparagine at codon 402 of the DSG2 protein. Computational prediction suggests that this variant may not impact protein structure and function (internally defined REVEL score threshold <= 0.5, PMID: 27666373). To our knowledge, functional studies have not been reported for this variant. This variant has not been reported in individuals affected with cardiovascular disorders in the literature. This variant has been identified in 10/249400 chromosomes in the general population by the Genome Aggregation Database (gnomAD). The available evidence is insufficient to determine the role of this variant in disease conclusively. Therefore, this variant is classified as a Variant of Uncertain Significance.

GeneDx
Classification: Uncertain significance. Last evaluated: 2019-07-03. Review status: criteria provided, single submitter. Criteria: GeneDx Variant Classification Process June 2021. Collection method: clinical testing. Allele origin: germline. Affected: yes.
Comment: Has not been previously published as pathogenic or benign to our knowledge; In silico analysis, which includes protein predictors and evolutionary conservation, supports that this variant does not alter protein structure/function

Illumina Laboratory Services, Illumina
Classification: Uncertain significance for Arrhythmogenic right ventricular dysplasia 10. Last evaluated: 2017-04-28. Review status: criteria provided, single submitter. Criteria: ICSL Variant Classification Criteria 13 December 2019. Collection method: clinical testing. Allele origin: germline.

Laboratory for Molecular Medicine, Mass General Brigham Personalized Medicine
Classification: Uncertain significance. Last evaluated: 2013-01-23. Review status: criteria provided, single submitter. Criteria: LMM Criteria. Collection method: clinical testing. Allele origin: germline. Observed: 1 variant allele.
Comment: Variant classified as Uncertain Significance - Favor Benign. The Asp402Asn varia nt in DSG2 has not been reported in the literature nor previously identified by our laboratory. This variant has also not been identified in large European Amer ican and African American populations by the NHLBI Exome Sequencing Project, though it may be common in other populations. As partic acid (Asp) at position 402 is poorly conserved in evolution with 1 mammal ian species carrying the variant amino acid (asparagine), suggesting that a chan ge may be tolerated. Other computational analyses (biochemical amino acid prope rties, AlignGVGD, PolyPhen2, and SIFT) suggest that the Asp402Asn variant may no t impact the protein, though this information is not predictive enough to rule o ut pathogenicity. Although this data supports that the Asp402Asn variant may be benign, additional studies are needed to fully assess its clinical significance.